The following is an entry in ClinVar:

ClinVar aggregate classification (germline): Likely benign (1 of 4 stars; one submission).

Conditions:
PEAK1-related disorder. Also called: PEAK1-related condition.

gnomAD v4.1: 603 of 1,613,704 alleles (0.037%); highest among the groups gnomAD compares: South Asian, 0.43%; 10 homozygotes.

Submission:

PreventionGenetics, part of Exact Sciences
Classification: Likely benign for PEAK1-related condition. Last evaluated: 2025-03-25. Review status: criteria provided, single submitter. Criteria: ACMG Guidelines, 2015. Collection method: clinical testing. Allele origin: germline.
Comment: This variant is classified as likely benign based on ACMG/AMP sequence variant interpretation guidelines (Richards et al. 2015 PMID: 25741868, with internal and published modifications).

NM_001385026.1(PEAK1):c.2616G>A (p.Pro872=)

Gene: PEAK1 (pseudopodium enriched atypical kinase 1; minus strand). Cytogenetic location: 15q24.3.
Variant type: single nucleotide variant.
Coding change: c.2616G>A on transcript NM_001385026.1 (MANE Select); coding-DNA position 2616, G replaced by A.
Protein change: p.Pro872=; no amino-acid change (proline 872 retained).
Molecular consequence: synonymous variant.
Genome position (GRCh38, 1-based): chr15:77,179,311, C>T on the plus strand (G>A on the coding strand, the complement: PEAK1 is on the minus strand). VCF-style: chr15-77179311-C-T. GRCh37 (hg19) VCF-style: chr15-77471653-C-T.
Other names: c.2616G>A, p.Pro872= (NM_001385027.1, NM_001387085.1, NM_001387086.1 and 1 more transcripts).
Identifiers: ClinVar variation 4985197 (VCV004985197.1).